The following is an entry in ClinVar:

NM_005909.5(MAP1B):c.583G>A (p.Asp195Asn)

Gene: MAP1B (microtubule associated protein 1B; plus strand). Cytogenetic location: 5q13.2.
Variant type: single nucleotide variant.
Coding change: c.583G>A on transcript NM_005909.5 (MANE Select); coding-DNA position 583, G replaced by A.
Protein change: p.Asp195Asn; replaces aspartic acid 195 with asparagine.
Molecular consequence: missense variant.
Genome position (GRCh38, 1-based): chr5:72,193,938, G>A. VCF-style: chr5-72193938-G-A. GRCh37 (hg19) VCF-style: chr5-71489765-G-A.
Other names: c.205G>A, p.Asp69Asn (NM_001324255.2); short protein forms D195N, D69N.
Identifiers: ClinVar variation 4278808 (VCV004278808.1).

ClinVar aggregate classification (germline): Uncertain significance (1 of 4 stars; one submission).

gnomAD v4.1: 1 of 1,614,060 alleles (0.000062%); highest among the groups gnomAD compares: Non-Finnish European, 0.000085%; no homozygotes.

Submission:

GeneDx
Classification: Uncertain significance. Last evaluated: 2025-03-31. Review status: criteria provided, single submitter. Criteria: GeneDx Variant Classification Process June 2021. Collection method: clinical testing. Allele origin: germline. Affected: yes.
Comment: Not observed at significant frequency in large population cohorts (gnomAD); In silico analysis supports that this missense variant has a deleterious effect on protein structure/function; Has not been previously published as pathogenic or benign to our knowledge